The following is an entry in ClinVar:

ClinVar aggregate classification (germline): Benign/Likely benign. Review status: criteria provided, multiple submitters, no conflicts (2 of 4 stars). 11 submissions from 10 submitters: Benign (5); Likely benign (3). 3 of the submissions do not count toward it. Last evaluated 2026-02-04.

Conditions:
Autosomal recessive nonsyndromic hearing loss 4 (DFNB4). Also called: Nonsyndromic enlarged vestibular aqueduct (NSEVA); FOXI1-Related Pendred Syndrome; KCNJ10-Related Pendred Syndrome; Deafness, autosomal recessive 4, with enlarged vestibular aqueduct; DEAFNESS, AUTOSOMAL RECESSIVE 4, WITH ENLARGED VESTIBULAR AQUEDUCT, DIGENIC; NEUROSENSORY NONSYNDROMIC RECESSIVE DEAFNESS 4. Identifiers: Orphanet 90636, MedGen C3538946, MONDO:0010933, OMIM 600791.
Pendred syndrome (PDS). Also called: Pendred's syndrome; DEAFNESS WITH GOITER; GOITER-DEAFNESS SYNDROME; HYPOTHYROIDISM, CONGENITAL, DUE TO DYSHORMONOGENESIS, 2B; Pendred Syndrome (PDS); THYROID DYSHORMONOGENESIS 2B. Identifiers: Orphanet 705, MedGen C0271829, MONDO:0010134, OMIM 274600.

Allele frequency attached by ClinVar (database versions not stated): gnomAD 0.01916 and 0.02079; 1000 Genomes Project 0.01937; 1000 Genomes Project 30x 0.01968; TOPMed 0.02089; ESP Exome Variant Server 0.02337; gnomAD exomes 0.00492; ExAC 0.00594.
gnomAD v4.1: 5,949 of 1,611,564 alleles (0.37%); highest among the groups gnomAD compares: African/African-American, 6.8%; 175 homozygotes.

Submissions (11):

Labcorp Genetics (formerly Invitae), Labcorp
Classification: Benign. Last evaluated: 2026-02-04. Review status: criteria provided, single submitter. Criteria: Invitae Variant Classification Sherloc (09022015). Collection method: clinical testing. Allele origin: germline.

ARUP Laboratories, Molecular Genetics and Genomics, ARUP Laboratories
Classification: Benign. Last evaluated: 2020-12-17. Review status: criteria provided, single submitter. Criteria: ARUP Molecular Germline Variant Investigation Process 2021. Collection method: clinical testing. Allele origin: germline.

Athena Diagnostics
Classification: Benign. Last evaluated: 2018-05-23. Review status: criteria provided, single submitter. Criteria: Athena Diagnostics Criteria. Collection method: clinical testing. Allele origin: germline.

GeneDx
Classification: Benign. Last evaluated: 2018-01-17. Review status: criteria provided, single submitter. Criteria: GeneDx Variant Classification (06012015). Collection method: clinical testing. Allele origin: germline. Affected: yes.
Comment: This variant is considered likely benign or benign based on one or more of the following criteria: it is a conservative change, it occurs at a poorly conserved position in the protein, it is predicted to be benign by multiple in silico algorithms, and/or has population frequency not consistent with disease.

Illumina Laboratory Services, Illumina
Classification: Likely benign for Autosomal recessive nonsyndromic hearing loss 4. Last evaluated: 2017-04-27. Review status: criteria provided, single submitter. Criteria: ICSL Variant Classification Criteria 13 December 2019. Collection method: clinical testing. Allele origin: germline.
Comment: This variant was observed as part of a predisposition screen in an ostensibly healthy population. A literature search was performed for the gene, cDNA change, and amino acid change (where applicable). Publications were found based on this search. The evidence from the literature, in combination with allele frequency data from public databases where available, was sufficient to determine this variant is unlikely to cause disease. Therefore, this variant is classified as likely benign.

Illumina Laboratory Services, Illumina
Classification: Likely benign for Pendred syndrome. Last evaluated: 2017-04-27. Review status: criteria provided, single submitter. Criteria: ICSL Variant Classification Criteria 13 December 2019. Collection method: clinical testing. Allele origin: germline.
Comment: the same text as in the submission from Illumina Laboratory Services, Illumina above.

Laboratory for Molecular Medicine, Mass General Brigham Personalized Medicine
Classification: Benign. Last evaluated: 2010-09-16. Review status: criteria provided, single submitter. Criteria: LMM Criteria. Collection method: clinical testing. Allele origin: germline. Observed: 29 variant alleles.
Comment: This variant is classified as benign due to a common occurrence in control poula tions (dbSNP - rs17154347).

Breakthrough Genomics
Classification: Likely benign. Review status: criteria provided, single submitter. Criteria: ACMG Guidelines, 2015. Collection method: not provided. Allele origin: germline. Inheritance: Autosomal recessive inheritance. Affected: yes.

Natera, Inc.
Classification: Benign for Pendred syndrome. Last evaluated: 2020-09-16. Review status: no assertion criteria provided. Collection method: clinical testing. Allele origin: germline. Not counted in ClinVar's aggregate classification.

Clinical Genetics DNA and cytogenetics Diagnostics Lab, Erasmus MC, Erasmus Medical Center
Classification: Benign. Review status: no assertion criteria provided. Collection method: clinical testing. Allele origin: germline. Affected: yes. Study: VKGL Data-share Consensus. Not counted in ClinVar's aggregate classification.

Clinical Genetics, Academic Medical Center
Classification: Benign. Review status: no assertion criteria provided. Collection method: clinical testing. Allele origin: germline. Affected: yes. Study: VKGL Data-share Consensus. Not counted in ClinVar's aggregate classification.

Literature cited by the submitters: PubMed 21704276 (cited by Illumina Laboratory Services, Illumina); PubMed 19017801 (cited by Illumina Laboratory Services, Illumina).

NM_000441.2(SLC26A4):c.2130C>T (p.Asp710=)

Genes: SLC26A4 (solute carrier family 26 member 4; plus strand), LOC123956210 (Sharpr-MPRA regulatory region 3291; plus strand). Cytogenetic location: 7q22.3.
Variant type: single nucleotide variant.
Coding change: c.2130C>T on transcript NM_000441.2 (MANE Select); coding-DNA position 2130, C replaced by T.
Protein change: p.Asp710=; no amino-acid change (aspartic acid 710 retained).
Molecular consequence: synonymous variant.
Genome position (GRCh38, 1-based): chr7:107,710,094, C>T. VCF-style: chr7-107710094-C-T. GRCh37 (hg19) VCF-style: chr7-107350539-C-T.
Identifiers: ClinVar variation 43538 (VCV000043538.31), dbSNP rs17154347, ClinGen allele CA132701.
Genomic context (GRCh38, chr7:107,710,094, plus strand): 5'-ATTGTGTCTTTCTTTTGAAGATTATGTGATAGAAAAGCTGGAGCAATGCGGGTTCTTTGA[C>T]GACAACATTAGAAAGGACACATTCTTTTTGACGGTCCATGATGCTATACTCTATCTACAG-3'
Protein context (NP_000432.1, residues 700-720): IEKLEQCGFF[Asp710=]DNIRKDTFFL